The following is an entry in ClinVar:

ClinVar aggregate classification (germline): Pathogenic (1 of 4 stars; one submission).

Conditions:
Hereditary breast ovarian cancer syndrome. Also called: Hereditary breast and ovarian cancer; Breast and ovarian cancer; BRCA1- and BRCA2-Associated Hereditary Breast and Ovarian Cancer; Hereditary breast and/or ovarian cancer syndrome; Hereditary breast and ovarian cancer syndrome; Hereditary breast and ovarian cancer syndrome (HBOC). Identifiers: Orphanet 145, MedGen C0677776, MeSH D061325, MONDO:0003582. Disease mechanism: loss of function.

Submission:

Labcorp Genetics (formerly Invitae), Labcorp
Classification: Pathogenic for Hereditary breast ovarian cancer syndrome. Last evaluated: 2021-10-21. Review status: criteria provided, single submitter. Criteria: Invitae Variant Classification Sherloc (09022015). Collection method: clinical testing. Allele origin: germline.
Comment: For these reasons, this variant has been classified as Pathogenic. This premature translational stop signal has been observed in individual(s) with a personal and/or family history of breast or ovarian cancer (PMID: 26187060). This variant is not present in population databases (ExAC no frequency). This sequence change creates a premature translational stop signal (p.Asp1360Ilefs*14) in the BRCA2 gene. It is expected to result in an absent or disrupted protein product. Loss-of-function variants in BRCA2 are known to be pathogenic (PMID: 20104584).

Literature cited by the submitters: PubMed 26187060; PubMed 20104584.

NM_000059.4(BRCA2):c.4078del (p.Asp1360fs)

Gene: BRCA2 (BRCA2 DNA repair associated; plus strand). Cytogenetic location: 13q13.1.
Variant type: Deletion.
Coding change: c.4078del on transcript NM_000059.4 (MANE Select); coding-DNA position 4078, one base deleted (G; older notation c.4078delG).
Protein change: p.Asp1360fs; shifts the reading frame from aspartic acid 1360.
Molecular consequence: frameshift variant.
Genome position (GRCh38, 1-based): chr13:32,338,433, G deleted. VCF-style (leftmost placement, unchanged base first): chr13-32338432-TG-T. GRCh37 (hg19) VCF-style: chr13-32912569-TG-T.
Other names: short protein forms D1360fs.
Identifiers: ClinVar variation 1460408 (VCV001460408.6), dbSNP rs2137502698, ClinGen allele CA2499222153.